The following is an entry in ClinVar:

NM_004972.4(JAK2):c.3160A>G (p.Ser1054Gly)

Genes: INSL6 (insulin like 6; minus strand), JAK2 (Janus kinase 2; plus strand). Cytogenetic location: 9p24.1.
Variant type: single nucleotide variant.
Coding change: c.3160A>G on transcript NM_004972.4 (MANE Select); coding-DNA position 3160, A replaced by G.
Protein change: p.Ser1054Gly; replaces serine 1054 with glycine.
Molecular consequence: missense variant. On other transcripts: non-coding transcript variant (2).
Genome position (GRCh38, 1-based): chr9:5,123,104, A>G. VCF-style: chr9-5123104-A-G. GRCh37 (hg19) VCF-style: chr9-5123104-A-G.
Other names: c.3160A>G, p.Ser1054Gly (NM_001322194.2, NM_001322195.2, NM_001322196.2); c.1945A>G, p.Ser649Gly (NM_001322198.2, NM_001322199.2); c.2713A>G, p.Ser905Gly (NM_001322204.2); short protein forms S905G, S1054G, S649G.
Identifiers: ClinVar variation 4040730 (VCV004040730.2).

ClinVar aggregate classification (germline): Uncertain significance. Review status: criteria provided, multiple submitters, no conflicts (2 of 4 stars). 2 submissions from 2 submitters: Uncertain significance (2). Last evaluated 2025-06-19.

Conditions:
Inborn genetic diseases. Identifiers: MedGen C0950123, MeSH D030342.

gnomAD v4.1: 3 of 1,601,096 alleles (0.00019%); highest among the groups gnomAD compares: Non-Finnish European, 0.00026%; no homozygotes.

Submissions (2):

Labcorp Genetics (formerly Invitae), Labcorp
Classification: Uncertain significance. Last evaluated: 2025-06-19. Review status: criteria provided, single submitter. Criteria: Invitae Variant Classification Sherloc (09022015). Collection method: clinical testing. Allele origin: germline.
Comment: This sequence change replaces serine, which is neutral and polar, with glycine, which is neutral and non-polar, at codon 1054 of the JAK2 protein (p.Ser1054Gly). This variant is not present in population databases (gnomAD no frequency). This variant has not been reported in the literature in individuals affected with JAK2-related conditions. Invitae Evidence Modeling of protein sequence and biophysical properties (such as structural, functional, and spatial information, amino acid conservation, physicochemical variation, residue mobility, and thermodynamic stability) indicates that this missense variant is not expected to disrupt JAK2 protein function with a negative predictive value of 80%. In summary, the available evidence is currently insufficient to determine the role of this variant in disease. Therefore, it has been classified as a Variant of Uncertain Significance.

Ambry Genetics
Classification: Uncertain significance for Inborn genetic diseases. Last evaluated: 2025-03-18. Review status: criteria provided, single submitter. Criteria: Ambry Variant Classification Scheme 2023. Collection method: clinical testing. Allele origin: germline.